The following is an entry in ClinVar:

NM_001379403.1(WDR26):c.1050T>G (p.Ile350Met)

Gene: WDR26 (WD repeat domain 26; minus strand). Cytogenetic location: 1q42.12.
Variant type: single nucleotide variant.
Coding change: c.1050T>G on transcript NM_001379403.1 (MANE Select); coding-DNA position 1050, T replaced by G.
Protein change: p.Ile350Met; replaces isoleucine 350 with methionine.
Molecular consequence: missense variant.
Genome position (GRCh38, 1-based): chr1:224,424,532, A>C on the plus strand (T>G on the coding strand, the complement: WDR26 is on the minus strand). VCF-style: chr1-224424532-A-C. GRCh37 (hg19) VCF-style: chr1-224612234-A-C.
Other names: c.702T>G, p.Ile234Met (NM_001115113.3); c.750T>G, p.Ile250Met (NM_025160.7); short protein forms I234M, I250M, I350M.
Identifiers: ClinVar variation 1710666 (VCV001710666.2), dbSNP rs2464762505, ClinGen allele CA344750977.
Genomic context (GRCh38, chr1:224,424,532, plus strand): 5'-ACTTTGGCCCTCCATTAACCTGAGTTCAAGAACTCAGTTTCCTTACCCACTAAGAACATG[A>C]ATGCGCTCTGTATTGTATTTCAGCGGCGTCAATTCACAGCGTAGAACTTGAAGTGCCTCC-3'
Protein context (NP_001366332.1, residues 340-360): LTPLKYNTER[Ile350Met]HVLSGYLMCS

ClinVar aggregate classification (germline): Uncertain significance (1 of 4 stars; one submission).

Submission:

GeneDx
Classification: Uncertain significance. Last evaluated: 2022-04-13. Review status: criteria provided, single submitter. Criteria: GeneDx Variant Classification Process June 2021. Collection method: clinical testing. Allele origin: germline. Affected: yes.
Comment: Not observed at significant frequency in large population cohorts (gnomAD); In silico analysis supports that this missense variant does not alter protein structure/function; Has not been previously published as pathogenic or benign to our knowledge